The following is an entry in ClinVar:

ClinVar aggregate classification (germline): Uncertain significance (1 of 4 stars; one submission).

Conditions:
Chédiak-Higashi syndrome (CHS). Also called: Chediak-Higashi Syndrome. Identifiers: Orphanet 167, MedGen C0007965, MONDO:0008963, OMIM 214500.

Submission:

Labcorp Genetics (formerly Invitae), Labcorp
Classification: Uncertain significance for Chédiak-Higashi syndrome. Last evaluated: 2020-08-30. Review status: criteria provided, single submitter. Criteria: Invitae Variant Classification Sherloc (09022015). Collection method: clinical testing. Allele origin: germline.
Comment: In summary, the available evidence is currently insufficient to determine the role of this variant in disease. Therefore, it has been classified as a Variant of Uncertain Significance. Algorithms developed to predict the effect of missense changes on protein structure and function output the following: SIFT: "Tolerated"; PolyPhen-2: "Benign"; Align-GVGD: "Class C0". The histidine amino acid residue is found in multiple mammalian species, suggesting that this missense change does not adversely affect protein function. These predictions have not been confirmed by published functional studies and their clinical significance is uncertain. This variant has not been reported in the literature in individuals with LYST-related conditions. This variant is not present in population databases (ExAC no frequency). This sequence change replaces glutamine with histidine at codon 655 of the LYST protein (p.Gln655His). The glutamine residue is moderately conserved and there is a small physicochemical difference between glutamine and histidine.

NM_000081.4(LYST):c.1965G>C (p.Gln655His)

Gene: LYST (lysosomal trafficking regulator; minus strand). Cytogenetic location: 1q42.3.
Variant type: single nucleotide variant.
Coding change: c.1965G>C on transcript NM_000081.4 (MANE Select); coding-DNA position 1965, G replaced by C.
Protein change: p.Gln655His; replaces glutamine 655 with histidine.
Molecular consequence: missense variant.
Genome position (GRCh38, 1-based): chr1:235,808,853, C>G on the plus strand (G>C on the coding strand, the complement: LYST is on the minus strand). VCF-style: chr1-235808853-C-G. GRCh37 (hg19) VCF-style: chr1-235972153-C-G.
Other names: c.1965G>C, p.Gln655His (NM_001301365.1); short protein forms Q655H.
Identifiers: ClinVar variation 1040968 (VCV001040968.8), dbSNP rs2527107321, ClinGen allele CA344961254.